The following is an entry in ClinVar:

ClinVar aggregate classification (germline): Uncertain significance. Review status: criteria provided, multiple submitters, no conflicts (2 of 4 stars). 2 submissions from 2 submitters: Uncertain significance (2). Last evaluated 2022-04-06.

Allele frequency attached by ClinVar (database versions not stated): TOPMed below 0.00001; gnomAD 0.00001.
gnomAD v4.1: 1 of 1,614,016 alleles (0.000062%); highest among the groups gnomAD compares: South Asian, 0.0011%; no homozygotes.

Submissions (2):

Labcorp Genetics (formerly Invitae), Labcorp
Classification: Uncertain significance. Last evaluated: 2022-04-06. Review status: criteria provided, single submitter. Criteria: Invitae Variant Classification Sherloc (09022015). Collection method: clinical testing. Allele origin: germline.
Comment: Algorithms developed to predict the effect of missense changes on protein structure and function are either unavailable or do not agree on the potential impact of this missense change (SIFT: "Tolerated"; PolyPhen-2: "Possibly Damaging"; Align-GVGD: "Class C0"). In summary, the available evidence is currently insufficient to determine the role of this variant in disease. Therefore, it has been classified as a Variant of Uncertain Significance. ClinVar contains an entry for this variant (Variation ID: 1321402). This variant has not been reported in the literature in individuals affected with SPTBN1-related conditions. This variant is not present in population databases (gnomAD no frequency). This sequence change replaces alanine, which is neutral and non-polar, with glycine, which is neutral and non-polar, at codon 297 of the SPTBN1 protein (p.Ala297Gly).

Women's Health and Genetics/Laboratory Corporation of America, LabCorp
Classification: Uncertain significance. Last evaluated: 2021-10-22. Review status: criteria provided, single submitter. Criteria: LabCorp Variant Classification Summary - May 2015. Collection method: clinical testing. Allele origin: germline.
Comment: Variant summary: SPTBN1 c.890C>G (p.Ala297Gly) results in a non-conservative amino acid change in the encoded protein sequence. Four of five in-silico tools predict a damaging effect of the variant on protein function. The variant was absent in 251328 control chromosomes. The available data on variant occurrences in the general population are insufficient to allow any conclusion about variant significance. To our knowledge, no occurrence of c.890C>G in individuals affected with Developmental Delay, Impaired Speech, And Behavioral Abnormalities and no experimental evidence demonstrating its impact on protein function have been reported. No clinical diagnostic laboratories have submitted clinical-significance assessments for this variant to ClinVar after 2014. Based on the evidence outlined above, the variant was classified as uncertain significance.

NM_003128.3(SPTBN1):c.890C>G (p.Ala297Gly)

Gene: SPTBN1 (spectrin beta, non-erythrocytic 1; plus strand). Cytogenetic location: 2p16.2.
Variant type: single nucleotide variant.
Coding change: c.890C>G on transcript NM_003128.3 (MANE Select); coding-DNA position 890, C replaced by G.
Protein change: p.Ala297Gly; replaces alanine 297 with glycine.
Molecular consequence: missense variant.
Genome position (GRCh38, 1-based): chr2:54,622,313, C>G. VCF-style: chr2-54622313-C-G. GRCh37 (hg19) VCF-style: chr2-54849450-C-G.
Other names: c.851C>G, p.Ala284Gly (NM_178313.3); short protein forms A284G, A297G.
Identifiers: ClinVar variation 1321402 (VCV001321402.6), dbSNP rs1678045192, ClinGen allele CA346864946.